The following is an entry in ClinVar:

ClinVar aggregate classification (germline): Uncertain significance. Review status: criteria provided, multiple submitters, no conflicts (2 of 4 stars). 2 submissions from 2 submitters: Uncertain significance (2). Last evaluated 2026-03-11.

Submissions (2):

GeneDx
Classification: Uncertain significance. Last evaluated: 2026-03-11. Review status: criteria provided, single submitter. Criteria: GeneDx Variant Classification Process June 2021. Collection method: clinical testing. Allele origin: germline.
Comment: Not observed at significant frequency in large population cohorts (gnomAD); In silico analysis supports that this missense variant has a deleterious effect on protein structure/function; Has not been previously published as pathogenic or benign to our knowledge

Women's Health and Genetics/Laboratory Corporation of America, LabCorp
Classification: Uncertain significance. Last evaluated: 2024-08-01. Review status: criteria provided, single submitter. Criteria: LabCorp Variant Classification Summary - May 2015. Collection method: clinical testing. Allele origin: germline.
Comment: Variant summary: KMT2C c.14423A>C (p.Glu4808Ala) results in a non-conservative amino acid change in the encoded protein sequence. Five of five in-silico tools predict a damaging effect of the variant on protein function. The variant was absent in 251488 control chromosomes. The available data on variant occurrences in the general population are insufficient to allow any conclusion about variant significance. To our knowledge, no occurrence of c.14423A>C in individuals affected with Kleefstra Syndrome 2 and no experimental evidence demonstrating its impact on protein function have been reported. No submitters have cited clinical-significance assessments for this variant to ClinVar. Based on the evidence outlined above, the variant was classified as uncertain significance.

NM_170606.3(KMT2C):c.14423A>C (p.Glu4808Ala)

Gene: KMT2C (lysine methyltransferase 2C; minus strand). Cytogenetic location: 7q36.1.
Variant type: single nucleotide variant.
Coding change: c.14423A>C on transcript NM_170606.3 (MANE Select); coding-DNA position 14423, A replaced by C.
Protein change: p.Glu4808Ala; replaces glutamic acid 4808 with alanine.
Molecular consequence: missense variant.
Genome position (GRCh38, 1-based): chr7:152,139,712, T>G on the plus strand (A>C on the coding strand, the complement: KMT2C is on the minus strand). VCF-style: chr7-152139712-T-G. GRCh37 (hg19) VCF-style: chr7-151836797-T-G.
Other names: c.14423A>C (NM_170606.2); short protein forms E4808A.
Identifiers: ClinVar variation 3366546 (VCV003366546.2).